The following is an entry in ClinVar:

NM_000432.4(MYL2):c.448T>G (p.Leu150Val)

Gene: MYL2 (myosin light chain 2; minus strand). Cytogenetic location: 12q24.11.
Variant type: single nucleotide variant.
Coding change: c.448T>G on transcript NM_000432.4 (MANE Select); coding-DNA position 448, T replaced by G.
Protein change: p.Leu150Val; replaces leucine 150 with valine.
Molecular consequence: missense variant.
Genome position (GRCh38, 1-based): chr12:110,911,130, A>C on the plus strand (T>G on the coding strand, the complement: MYL2 is on the minus strand). VCF-style: chr12-110911130-A-C. GRCh37 (hg19) VCF-style: chr12-111348934-A-C.
Other names: c.406T>G, p.Leu136Val (NM_001406745.1, NM_001406746.1); c.391T>G, p.Leu131Val (NM_001406916.1); short protein forms L150V, L131V, L136V.
Identifiers: ClinVar variation 1740968 (VCV001740968.2), dbSNP rs1592798538, ClinGen allele CA386696841.
Genomic context (GRCh38, chr12:110,911,130, plus strand): 5'-CCCCCTCCTAGTCCTTCTCTTCTCCGTGGGTGATGATGTGCACCAGGTTCTTGTAGTCCA[A>C]GTTGCCAGTCACGTCAGGGGGGAAGGCGGCGAACATCTGGTCAACCTGCAATGAGCCAGC-3'
Protein context (NP_000423.2, residues 140-160): AAFPPDVTGN[Leu150Val]DYKNLVHIIT

ClinVar aggregate classification (germline): Uncertain significance (1 of 4 stars; one submission).

Conditions:
Cardiovascular phenotype. Identifiers: MedGen CN230736.

Submission:

Ambry Genetics
Classification: Uncertain significance for Cardiovascular phenotype. Last evaluated: 2022-03-19. Review status: criteria provided, single submitter. Criteria: Ambry Variant Classification Scheme 2023. Collection method: clinical testing. Allele origin: germline.
Comment: The p.L150V variant (also known as c.448T>G), located in coding exon 7 of the MYL2 gene, results from a T to G substitution at nucleotide position 448. The leucine at codon 150 is replaced by valine, an amino acid with highly similar properties. This amino acid position is conserved. In addition, the in silico prediction for this alteration is inconclusive. Since supporting evidence is limited at this time, the clinical significance of this alteration remains unclear.